The following is an entry in ClinVar:

NM_001903.5(CTNNA1):c.1238A>G (p.Glu413Gly)

Gene: CTNNA1 (catenin alpha 1; plus strand). Cytogenetic location: 5q31.2.
Variant type: single nucleotide variant.
Coding change: c.1238A>G on transcript NM_001903.5 (MANE Select); coding-DNA position 1238, A replaced by G.
Protein change: p.Glu413Gly; replaces glutamic acid 413 with glycine.
Molecular consequence: missense variant. On other transcripts: 5 prime UTR variant (5), intron variant (2).
Genome position (GRCh38, 1-based): chr5:138,887,584, A>G. VCF-style: chr5-138887584-A-G. GRCh37 (hg19) VCF-style: chr5-138223273-A-G.
Other names: c.1238A>G, p.Glu413Gly (NM_001290307.3, NM_001323982.2, NM_001323983.1 and 3 more transcripts); c.929A>G, p.Glu310Gly (NM_001290309.3); c.869A>G, p.Glu290Gly (NM_001290310.3); c.128A>G, p.Glu43Gly (NM_001290312.1, NM_001323987.1, NM_001323988.1 and 18 more transcripts); c.-270A>G (NM_001324006.1, NM_001324007.1, NM_001324008.1 and 1 more transcripts); c.-145A>G (NM_001324013.1); c.-58+11987A>G (NM_001324012.1); c.-61+11987A>G (NM_001324010.1); short protein forms E413G, E43G, E290G, E310G.
Identifiers: ClinVar variation 2072827 (VCV002072827.4), dbSNP rs2533015068, ClinGen allele CA361133142.

ClinVar aggregate classification (germline): Uncertain significance (1 of 4 stars; one submission).

Submission:

Labcorp Genetics (formerly Invitae), Labcorp
Classification: Uncertain significance. Last evaluated: 2025-04-17. Review status: criteria provided, single submitter. Criteria: Invitae Variant Classification Sherloc (09022015). Collection method: clinical testing. Allele origin: germline.
Comment: This sequence change replaces glutamic acid, which is acidic and polar, with glycine, which is neutral and non-polar, at codon 413 of the CTNNA1 protein (p.Glu413Gly). This variant is not present in population databases (gnomAD no frequency). This variant has not been reported in the literature in individuals affected with CTNNA1-related conditions. ClinVar contains an entry for this variant (Variation ID: 2072827). Invitae Evidence Modeling of protein sequence and biophysical properties (such as structural, functional, and spatial information, amino acid conservation, physicochemical variation, residue mobility, and thermodynamic stability) indicates that this missense variant is expected to disrupt CTNNA1 protein function with a positive predictive value of 80%. In summary, the available evidence is currently insufficient to determine the role of this variant in disease. Therefore, it has been classified as a Variant of Uncertain Significance.